The following is an entry in ClinVar:

ClinVar aggregate classification (germline): Uncertain significance (1 of 4 stars; one submission).

Conditions:
Inborn genetic diseases. Identifiers: MedGen C0950123, MeSH D030342.

Submission:

Ambry Genetics
Classification: Uncertain significance for Inborn genetic diseases. Last evaluated: 2025-09-01. Review status: criteria provided, single submitter. Criteria: Ambry Variant Classification Scheme 2023. Collection method: clinical testing. Allele origin: germline.
Comment: The p.R630S variant (also known as c.1890G>C), located in coding exon 1 of the SAMD9 gene, results from a G to C substitution at nucleotide position 1890. The arginine at codon 630 is replaced by serine, an amino acid with dissimilar properties. This amino acid position is conserved. In addition, this alteration is predicted to be tolerated by in silico analysis. Based on the available evidence, the clinical significance of this variant remains unclear.

NM_017654.4(SAMD9):c.1890G>C (p.Arg630Ser)

Gene: SAMD9 (sterile alpha motif domain containing 9; minus strand). Cytogenetic location: 7q21.2.
Variant type: single nucleotide variant.
Coding change: c.1890G>C on transcript NM_017654.4 (MANE Select); coding-DNA position 1890, G replaced by C.
Protein change: p.Arg630Ser; replaces arginine 630 with serine.
Molecular consequence: missense variant.
Genome position (GRCh38, 1-based): chr7:93,104,208, C>G on the plus strand (G>C on the coding strand, the complement: SAMD9 is on the minus strand). VCF-style: chr7-93104208-C-G. GRCh37 (hg19) VCF-style: chr7-92733521-C-G.
Other names: c.1890G>C, p.Arg630Ser (NM_001193307.2); short protein forms R630S.
Identifiers: ClinVar variation 4159203 (VCV004159203.1).